The following is an entry in ClinVar:

ClinVar aggregate classification (germline): Uncertain significance (1 of 4 stars; one submission).

Conditions:
Hereditary cancer-predisposing syndrome. Also called: Neoplastic Syndromes, Hereditary; Tumor predisposition; Hereditary Cancer Syndrome; Hereditary neoplastic syndrome. Identifiers: Orphanet 140162, MedGen C0027672, MeSH D009386, MONDO:0015356.

Submission:

Ambry Genetics
Classification: Uncertain significance for Hereditary cancer-predisposing syndrome. Last evaluated: 2025-12-21. Review status: criteria provided, single submitter. Criteria: Ambry Variant Classification Scheme 2023. Collection method: clinical testing. Allele origin: germline.
Comment: The p.D1122V variant (also known as c.3365A>T), located in coding exon 28 of the EGFR gene, results from an A to T substitution at nucleotide position 3365. The aspartic acid at codon 1122 is replaced by valine, an amino acid with highly dissimilar properties. This amino acid position is conserved. In addition, the in silico prediction for this alteration is inconclusive. Based on the available evidence, the clinical significance of this variant remains unclear.

NM_005228.5(EGFR):c.3365A>T (p.Asp1122Val)

Gene: EGFR (epidermal growth factor receptor; plus strand). Cytogenetic location: 7p11.2.
Variant type: single nucleotide variant.
Coding change: c.3365A>T on transcript NM_005228.5 (MANE Select); coding-DNA position 3365, A replaced by T.
Protein change: p.Asp1122Val; replaces aspartic acid 1122 with valine.
Molecular consequence: missense variant.
Genome position (GRCh38, 1-based): chr7:55,205,349, A>T. VCF-style: chr7-55205349-A-T. GRCh37 (hg19) VCF-style: chr7-55273042-A-T.
Other names: c.3230A>T, p.Asp1077Val (NM_001346899.2); c.3206A>T, p.Asp1069Val (NM_001346900.2); c.2564A>T, p.Asp855Val (NM_001346941.2); short protein forms D1077V, D1122V, D1069V, D855V.
Identifiers: ClinVar variation 4842909 (VCV004842909.1).